The following is an entry in ClinVar:

ClinVar aggregate classification (germline): Uncertain significance (1 of 4 stars; one submission).

Submission:

GeneDx
Classification: Uncertain significance. Last evaluated: 2019-06-29. Review status: criteria provided, single submitter. Criteria: GeneDx Variant Classification Process June 2021. Collection method: clinical testing. Allele origin: germline. Affected: yes.
Comment: Not observed in large population cohorts (Lek et al., 2016); In silico analysis, which includes protein predictors and evolutionary conservation, supports a deleterious effect; Has not been previously published as pathogenic or benign to our knowledge

NM_052867.4(NALCN):c.4185G>C (p.Met1395Ile)

Gene: NALCN (sodium leak channel, non-selective; minus strand). Cytogenetic location: 13q32.3.
Variant type: single nucleotide variant.
Coding change: c.4185G>C on transcript NM_052867.4 (MANE Select); coding-DNA position 4185, G replaced by C.
Protein change: p.Met1395Ile; replaces methionine 1395 with isoleucine.
Molecular consequence: missense variant.
Genome position (GRCh38, 1-based): chr13:101,073,596, C>G on the plus strand (G>C on the coding strand, the complement: NALCN is on the minus strand). VCF-style: chr13-101073596-C-G. GRCh37 (hg19) VCF-style: chr13-101725948-C-G.
Other names: c.4272G>C, p.Met1424Ile (NM_001350748.2); c.4185G>C, p.Met1395Ile (NM_001350749.2); c.4098G>C, p.Met1366Ile (NM_001350750.2, NM_001350751.2); short protein forms M1366I, M1395I, M1424I.
Identifiers: ClinVar variation 1306404 (VCV001306404.2), dbSNP rs2139465734, ClinGen allele CA388649067.